The following is an entry in ClinVar:

NM_001378454.1(ALMS1):c.8005C>T (p.Arg2669Ter)

Gene: ALMS1 (ALMS1 centrosome and basal body associated protein; plus strand). Cytogenetic location: 2p13.1.
Variant type: single nucleotide variant.
Coding change: c.8005C>T on transcript NM_001378454.1 (MANE Select); coding-DNA position 8005, C replaced by T.
Protein change: p.Arg2669Ter; replaces arginine 2669 with a stop codon.
Molecular consequence: nonsense.
Genome position (GRCh38, 1-based): chr2:73,489,964, C>T. VCF-style: chr2-73489964-C-T. GRCh37 (hg19) VCF-style: chr2-73717091-C-T.
Other names: c.8008C>T, p.Arg2670Ter (NM_015120.4); short protein forms R2670*, R2669*.
Identifiers: ClinVar variation 529386 (VCV000529386.16), dbSNP rs549857076, ClinGen allele CA347266861.

ClinVar aggregate classification (germline): Pathogenic. Review status: criteria provided, multiple submitters, no conflicts (2 of 4 stars). 5 submissions from 5 submitters: Pathogenic (5). Last evaluated 2025-07-07.

Conditions:
ALMS1-related disorder. Also called: ALMS1-related condition.
Alstrom syndrome (ALMS). Identifiers: Orphanet 64, MedGen C0268425, MONDO:0008763, OMIM 203800.

gnomAD v4.1: 6 of 1,614,194 alleles (0.00037%); highest among the groups gnomAD compares: East Asian, 0.0022%; no homozygotes.

Submissions (5):

Natera, Inc.
Classification: Pathogenic for Alstrom syndrome. Last evaluated: 2025-07-07. Review status: criteria provided, single submitter. Criteria: Natera Variant Classification Schema (03/2026). Collection method: clinical testing. Allele origin: germline.
Comment: The c.8008C>T variant in ALMS1 is a nonsense variant predicted to introduce a stop codon at amino acid 2670. This variant is expected to result in nonsense mediated decay, truncation, or a dysfunctional protein product. This variant is rare in the general population with a frequency below the threshold expected for the associated phenotype(s). This variant has been observed in one or more individuals affected with the associated recessive disease, as either homozygous or compound heterozygous with a second variant (PMID: 32503575, 22447358). Given the available evidence, this variant is classified as Pathogenic.

Labcorp Genetics (formerly Invitae), Labcorp
Classification: Pathogenic for Alstrom syndrome. Last evaluated: 2024-08-19. Review status: criteria provided, single submitter. Criteria: Invitae Variant Classification Sherloc (09022015). Collection method: clinical testing. Allele origin: germline.
Comment: This sequence change creates a premature translational stop signal (p.Arg2670*) in the ALMS1 gene. It is expected to result in an absent or disrupted protein product. Loss-of-function variants in ALMS1 are known to be pathogenic (PMID: 17594715). This variant is not present in population databases (gnomAD no frequency). This premature translational stop signal has been observed in individuals with Alstrom syndrome (PMID: 15689433, 18038714, 22447358). ClinVar contains an entry for this variant (Variation ID: 529386). For these reasons, this variant has been classified as Pathogenic.

Women's Health and Genetics/Laboratory Corporation of America, LabCorp
Classification: Pathogenic for Alstrom syndrome. Last evaluated: 2023-04-17. Review status: criteria provided, single submitter. Criteria: LabCorp Variant Classification Summary - May 2015. Collection method: clinical testing. Allele origin: germline.
Comment: Variant summary: ALMS1 c.8002C>T/p.Arg2668X(also known as c.8008C>T/p.Arg2670X) results in a premature termination codon, predicted to cause an absence of the protein due to nonsense mediated decay, which are commonly known mechanisms for disease. The variant allele was found at a frequency of 4e-06 in 249506 control chromosomes. c.8002C>T has been reported in the literature in individuals affected with Alstrom Syndrome. These data indicate that the variant may be associated with disease. Three clinical diagnostic laboratories have submitted clinical-significance assessments for this variant to ClinVar after 2014 without evidence for independent evaluation. All laboratories classified the variant as pathogenic. Based on the evidence outlined above, the variant was classified as pathogenic.

Blueprint Genetics
Classification: Pathogenic for ALMS1-related disorders. Last evaluated: 2021-11-07. Review status: criteria provided, single submitter. Criteria: ACMG Guidelines, 2015. Collection method: clinical testing. Allele origin: germline. Affected: yes. Observed: 2 variant alleles.

Eurofins Ntd Llc (ga)
Classification: Pathogenic. Last evaluated: 2018-08-08. Review status: criteria provided, single submitter. Criteria: EGL ClinVar v180209 classification definitions. Collection method: clinical testing. Allele origin: germline. Observed: 1 variant allele, 1 heterozygote.

Literature cited by the submitters: PubMed 32503575 (cited by Natera, Inc.); PubMed 22447358 (cited by Natera, Inc. and Labcorp Genetics (formerly Invitae), Labcorp); PubMed 17594715 (cited by Labcorp Genetics (formerly Invitae), Labcorp and Women's Health and Genetics/Laboratory Corporation of America, LabCorp); PubMed 15689433 (cited by Labcorp Genetics (formerly Invitae), Labcorp); PubMed 18038714 (cited by Labcorp Genetics (formerly Invitae), Labcorp).